The following is an entry in ClinVar:

NM_025137.4(SPG11):c.3266T>C (p.Met1089Thr)

Gene: SPG11 (SPG11 vesicle trafficking associated, spatacsin; minus strand). Cytogenetic location: 15q21.1.
Variant type: single nucleotide variant.
Coding change: c.3266T>C on transcript NM_025137.4 (MANE Select); coding-DNA position 3266, T replaced by C.
Protein change: p.Met1089Thr; replaces methionine 1089 with threonine.
Molecular consequence: missense variant.
Genome position (GRCh38, 1-based): chr15:44,610,865, A>G on the plus strand (T>C on the coding strand, the complement: SPG11 is on the minus strand). VCF-style: chr15-44610865-A-G. GRCh37 (hg19) VCF-style: chr15-44903063-A-G.
Other names: c.3266T>C, p.Met1089Thr (NM_001160227.2); short protein forms M1089T.
Identifiers: ClinVar variation 854687 (VCV000854687.7), dbSNP rs1291491649, ClinGen allele CA392226418.

ClinVar aggregate classification (germline): Uncertain significance (1 of 4 stars; one submission).

Conditions:
Hereditary spastic paraplegia 11. Also called: SPASTIC PARAPLEGIA, AUTOSOMAL RECESSIVE, COMPLICATED, WITH THIN CORPUS CALLOSUM; SPASTIC PARAPLEGIA, AUTOSOMAL RECESSIVE, WITH MENTAL IMPAIRMENT AND THIN CORPUS CALLOSUM; Spastic paraplegia, mental retardation and thin corpus callosum; Nakamura Osame syndrome; Autosomal recessive hereditary spastic paraplegia, mental impairment, and thin corpus callosum; Spastic Paraplegia 11. Identifiers: Orphanet 2822, MedGen C1858479, MONDO:0011445, OMIM 604360.

Allele frequency attached by ClinVar (database versions not stated): gnomAD exomes 0.00001.

Submission:

Labcorp Genetics (formerly Invitae), Labcorp
Classification: Uncertain significance for Hereditary spastic paraplegia 11. Last evaluated: 2024-06-10. Review status: criteria provided, single submitter. Criteria: Invitae Variant Classification Sherloc (09022015). Collection method: clinical testing. Allele origin: germline.
Comment: This sequence change replaces methionine, which is neutral and non-polar, with threonine, which is neutral and polar, at codon 1089 of the SPG11 protein (p.Met1089Thr). This variant is present in population databases (no rsID available, gnomAD 0.006%). This variant has not been reported in the literature in individuals affected with SPG11-related conditions. ClinVar contains an entry for this variant (Variation ID: 854687). Advanced modeling of protein sequence and biophysical properties (such as structural, functional, and spatial information, amino acid conservation, physicochemical variation, residue mobility, and thermodynamic stability) performed at Invitae indicates that this missense variant is expected to disrupt SPG11 protein function with a positive predictive value of 80%. In summary, the available evidence is currently insufficient to determine the role of this variant in disease. Therefore, it has been classified as a Variant of Uncertain Significance.